The following is an entry in ClinVar:

ClinVar aggregate classification (germline): Conflicting classifications of pathogenicity. Review status: criteria provided, conflicting classifications (1 of 4 stars). 4 submissions from 4 submitters: Uncertain significance (3); Likely benign (1). Last evaluated 2025-03-04.

Conditions:
Hereditary cancer-predisposing syndrome. Also called: Neoplastic Syndromes, Hereditary; Tumor predisposition; Hereditary Cancer Syndrome; Hereditary neoplastic syndrome. Identifiers: Orphanet 140162, MedGen C0027672, MeSH D009386, MONDO:0015356.
Hereditary breast ovarian cancer syndrome. Also called: Hereditary breast and/or ovarian cancer syndrome; BRCA1- and BRCA2-Associated Hereditary Breast and Ovarian Cancer; Hereditary breast and ovarian cancer syndrome; Hereditary breast and ovarian cancer; Hereditary breast and ovarian cancer syndrome (HBOC); Breast and ovarian cancer. Identifiers: Orphanet 145, MedGen C0677776, MeSH D061325, MONDO:0003582. Disease mechanism: loss of function.

gnomAD v4.1: 1 of 1,609,124 alleles (0.000062%); highest among the groups gnomAD compares: Non-Finnish European, 0.000085%; no homozygotes.

Submissions (4):

Center for Genomic Medicine, Rigshospitalet, Copenhagen University Hospital
Classification: Uncertain significance. Last evaluated: 2025-03-04. Review status: criteria provided, single submitter. Criteria: ACMG Guidelines, 2015. Collection method: clinical testing. Allele origin: germline.

Labcorp Genetics (formerly Invitae), Labcorp
Classification: Uncertain significance for Hereditary breast ovarian cancer syndrome. Last evaluated: 2024-03-27. Review status: criteria provided, single submitter. Criteria: Invitae Variant Classification Sherloc (09022015). Collection method: clinical testing. Allele origin: germline.
Comment: This sequence change replaces threonine, which is neutral and polar, with lysine, which is basic and polar, at codon 630 of the BRCA2 protein (p.Thr630Lys). This variant is not present in population databases (gnomAD no frequency). This variant has not been reported in the literature in individuals affected with BRCA2-related conditions. ClinVar contains an entry for this variant (Variation ID: 820273). Advanced modeling of protein sequence and biophysical properties (such as structural, functional, and spatial information, amino acid conservation, physicochemical variation, residue mobility, and thermodynamic stability) performed at Invitae indicates that this missense variant is not expected to disrupt BRCA2 protein function with a negative predictive value of 95%. In summary, the available evidence is currently insufficient to determine the role of this variant in disease. Therefore, it has been classified as a Variant of Uncertain Significance.

University of Washington Department of Laboratory Medicine, University of Washington
Classification: Likely benign for Hereditary cancer-predisposing syndrome. Last evaluated: 2023-03-23. Review status: criteria provided, single submitter. Criteria: Dines et al. (Genet Med. 2020). Collection method: curation. Allele origin: germline.
Comment: Missense variant in a coldspot region where missense variants are very unlikely to be pathogenic (PMID:31911673).

BRCA2 exon 10 coldspot. Reclassification based on statistical prior probability.

Ambry Genetics
Classification: Uncertain significance for Hereditary cancer-predisposing syndrome. Last evaluated: 2019-03-11. Review status: criteria provided, single submitter. Criteria: Ambry Variant Classification Scheme 2023. Collection method: clinical testing. Allele origin: germline.
Comment: The p.T630K variant (also known as c.1889C>A), located in coding exon 9 of the BRCA2 gene, results from a C to A substitution at nucleotide position 1889. The threonine at codon 630 is replaced by lysine, an amino acid with similar properties. This amino acid position is poorly conserved in available vertebrate species. In addition, this alteration is predicted to be tolerated by in silico analysis. Since supporting evidence is limited at this time, the clinical significance of this alteration remains unclear.

NM_000059.4(BRCA2):c.1889C>A (p.Thr630Lys)

Gene: BRCA2 (BRCA2 DNA repair associated; plus strand). Cytogenetic location: 13q13.1.
Variant type: single nucleotide variant.
Coding change: c.1889C>A on transcript NM_000059.4 (MANE Select); coding-DNA position 1889, C replaced by A.
Protein change: p.Thr630Lys; replaces threonine 630 with lysine.
Molecular consequence: missense variant.
Genome position (GRCh38, 1-based): chr13:32,333,367, C>A. VCF-style: chr13-32333367-C-A. GRCh37 (hg19) VCF-style: chr13-32907504-C-A.
Other names: short protein forms T630K.
Identifiers: ClinVar variation 820273 (VCV000820273.12), dbSNP rs80358479, ClinGen allele CA387766740.